The following is an entry in ClinVar:

ClinVar aggregate classification (germline): Uncertain significance (1 of 4 stars; one submission).

Conditions:
Hereditary breast ovarian cancer syndrome. Also called: Hereditary breast and/or ovarian cancer syndrome; Hereditary breast and ovarian cancer syndrome (HBOC); Breast and ovarian cancer; Hereditary breast and ovarian cancer syndrome; Hereditary breast and ovarian cancer; BRCA1- and BRCA2-Associated Hereditary Breast and Ovarian Cancer. Identifiers: Orphanet 145, MedGen C0677776, MeSH D061325, MONDO:0003582. Disease mechanism: loss of function.

Submission:

Labcorp Genetics (formerly Invitae), Labcorp
Classification: Uncertain significance for Hereditary breast ovarian cancer syndrome. Last evaluated: 2023-12-13. Review status: criteria provided, single submitter. Criteria: Invitae Variant Classification Sherloc (09022015). Collection method: clinical testing. Allele origin: germline.
Comment: This sequence change replaces glutamic acid, which is acidic and polar, with valine, which is neutral and non-polar, at codon 1210 of the BRCA1 protein (p.Glu1210Val). This variant is not present in population databases (gnomAD no frequency). This variant has not been reported in the literature in individuals affected with BRCA1-related conditions. Advanced modeling of protein sequence and biophysical properties (such as structural, functional, and spatial information, amino acid conservation, physicochemical variation, residue mobility, and thermodynamic stability) performed at Invitae indicates that this missense variant is not expected to disrupt BRCA1 protein function with a negative predictive value of 95%. In summary, the available evidence is currently insufficient to determine the role of this variant in disease. Therefore, it has been classified as a Variant of Uncertain Significance.

NM_007294.4(BRCA1):c.3629A>T (p.Glu1210Val)

Genes: BRCA1 (BRCA1 DNA repair associated; minus strand), LOC126862571 (BRD4-independent group 4 enhancer GRCh37_chr17:41243136-41244335; plus strand). Cytogenetic location: 17q21.31.
Variant type: single nucleotide variant.
Coding change: c.3629A>T on transcript NM_007294.4 (MANE Select); coding-DNA position 3629, A replaced by T.
Protein change: p.Glu1210Val; replaces glutamic acid 1210 with valine.
Molecular consequence: missense variant. On other transcripts: intron variant (135).
Genome position (GRCh38, 1-based): chr17:43,091,902, T>A on the plus strand (A>T on the coding strand, the complement: BRCA1 is on the minus strand). VCF-style: chr17-43091902-T-A. GRCh37 (hg19) VCF-style: chr17-41243919-T-A.
Other names: c.3506A>T, p.Glu1169Val (NM_001407937.1, NM_001407938.1, NM_001407939.1 and 19 more transcripts); c.3503A>T, p.Glu1168Val (NM_001407940.1, NM_001407941.1, NM_001407649.1 and 11 more transcripts); c.3488A>T, p.Glu1163Val (NM_001407942.1, NM_001407944.1, NM_001407945.1 and 29 more transcripts); c.3485A>T, p.Glu1162Val (NM_001407943.1, NM_001407964.1, NM_001407740.1 and 20 more transcripts); c.3296A>T, p.Glu1099Val (NM_001407946.1, NM_001407947.1, NM_001407948.1 and 6 more transcripts); c.3293A>T, p.Glu1098Val (NM_001407954.1, NM_001407955.1, NM_001407956.1 and 1 more transcripts); c.3248A>T, p.Glu1083Val (NM_001407959.1, NM_001407960.1, NM_001407963.1); c.3245A>T, p.Glu1082Val (NM_001407962.1); and 41 more; short protein forms E1083V, E1099V, E1139V, E1142V, E1210V, E914V, E1082V, E1121V.
Identifiers: ClinVar variation 2702784 (VCV002702784.3), dbSNP rs1060502347, ClinGen allele CA10594710.